The following is an entry in ClinVar:

NM_152490.5(B3GALNT2):c.419C>T (p.Pro140Leu)

Gene: B3GALNT2 (beta-1,3-N-acetylgalactosaminyltransferase 2; minus strand). Cytogenetic location: 1q42.3.
Variant type: single nucleotide variant.
Coding change: c.419C>T on transcript NM_152490.5 (MANE Select); coding-DNA position 419, C replaced by T.
Protein change: p.Pro140Leu; replaces proline 140 with leucine.
Molecular consequence: missense variant.
Genome position (GRCh38, 1-based): chr1:235,484,458, G>A on the plus strand (C>T on the coding strand, the complement: B3GALNT2 is on the minus strand). VCF-style: chr1-235484458-G-A. GRCh37 (hg19) VCF-style: chr1-235647774-G-A.
Other names: c.542C>T, p.Pro181Leu (NM_001277155.3); short protein forms P181L, P140L.
Identifiers: ClinVar variation 2116703 (VCV002116703.4), dbSNP rs1572539058, ClinGen allele CA344925375.
Genomic context (GRCh38, chr1:235,484,458, plus strand): 5'-AGACTGGTAATAACGATGGGGTAGAGAACTCGGAAACTCACGCTGACAACTCGATCCTCA[G>A]GCAGCCCCGATGAAGTGTCTTCGGACAGACTGAACGCTTCAATTTCCTGATTCAAAACTA-3'
Protein context (NP_689703.1, residues 130-150): SLSEDTSSGL[Pro140Leu]EDRVVSVSFR

ClinVar aggregate classification (germline): Uncertain significance (1 of 4 stars; one submission).

Conditions:
Muscular dystrophy-dystroglycanopathy (congenital with brain and eye anomalies), type a, 11 (MDDGA11). Also called: WALKER-WARBURG SYNDROME OR MUSCLE-EYE-BRAIN DISEASE, B3GALNT2-RELATED; Congenital muscular dystrophy-dystroglycanopathy with brain and eye anomalies, type A11; Muscular dystrophy-dystroglycanopathy (congenital with brain and eye anomalies, type A, 11. Identifiers: Orphanet 588, Orphanet 899, MedGen C3554638, MONDO:0014071, OMIM 615181.

Submission:

Labcorp Genetics (formerly Invitae), Labcorp
Classification: Uncertain significance for Muscular dystrophy-dystroglycanopathy (congenital with brain and eye anomalies), type a, 11. Last evaluated: 2022-03-25. Review status: criteria provided, single submitter. Criteria: Invitae Variant Classification Sherloc (09022015). Collection method: clinical testing. Allele origin: germline.
Comment: In summary, the available evidence is currently insufficient to determine the role of this variant in disease. Therefore, it has been classified as a Variant of Uncertain Significance. Algorithms developed to predict the effect of missense changes on protein structure and function (SIFT, PolyPhen-2, Align-GVGD) all suggest that this variant is likely to be tolerated. This variant has not been reported in the literature in individuals affected with B3GALNT2-related conditions. This variant is not present in population databases (gnomAD no frequency). This sequence change replaces proline, which is neutral and non-polar, with leucine, which is neutral and non-polar, at codon 140 of the B3GALNT2 protein (p.Pro140Leu).